The following is an entry in ClinVar:

ClinVar aggregate classification (germline): Likely benign (1 of 4 stars; one submission).

gnomAD v4.1: 92 of 1,612,850 alleles (0.0057%); highest among the groups gnomAD compares: Non-Finnish European, 0.0076%; no homozygotes.

Submission:

CeGaT Center for Human Genetics Tuebingen
Classification: Likely benign. Last evaluated: 2025-10-01. Review status: criteria provided, single submitter. Criteria: CeGaT Center For Human Genetics Tuebingen Variant Classification Criteria Version 2. Collection method: clinical testing. Allele origin: germline. Affected: yes. Observed: 2 variant alleles.
Comment: SOX5: BP4, BP7

NM_006940.6(SOX5):c.477G>C (p.Pro159=)

Gene: SOX5 (SRY-box transcription factor 5; minus strand). Cytogenetic location: 12p12.1.
Variant type: single nucleotide variant.
Coding change: c.477G>C on transcript NM_006940.6 (MANE Select); coding-DNA position 477, G replaced by C.
Protein change: p.Pro159=; no amino-acid change (proline 159 retained).
Molecular consequence: synonymous variant.
Genome position (GRCh38, 1-based): chr12:23,845,987, C>G on the plus strand (G>C on the coding strand, the complement: SOX5 is on the minus strand). VCF-style: chr12-23845987-C-G. GRCh37 (hg19) VCF-style: chr12-23998921-C-G.
Other names: c.438G>C, p.Pro146= (NM_001261414.3, NM_152989.5); c.447G>C, p.Pro149= (NM_001261415.3); c.372G>C, p.Pro124= (NM_001330785.2).
Identifiers: ClinVar variation 3257023 (VCV003257023.17).
Genomic context (GRCh38, chr12:23,845,987, plus strand): 5'-TCAAAGTATTAAAATCAGGACACAGCATCAACTTTGTTTTCTCTTCCAGCCTTTACCTTC[C>G]GGCTCGTTTTTGATGAGCTCTTCCATTTTCCTCTGCTTCAAGGTGTCAACAACATCAGCT-3'
Protein context (NP_008871.3, residues 149-169): RKMEELIKNE[Pro159=]EETPSIEKLL